The following is an entry in ClinVar:

NM_001145860.2(POP1):c.1748G>A (p.Gly583Glu)

Gene: POP1 (POP1 ribonuclease P/MRP subunit; plus strand). Cytogenetic location: 8q22.2.
Variant type: single nucleotide variant.
Coding change: c.1748G>A on transcript NM_001145860.2 (MANE Select); coding-DNA position 1748, G replaced by A.
Protein change: p.Gly583Glu; replaces glycine 583 with glutamic acid.
Molecular consequence: missense variant.
Genome position (GRCh38, 1-based): chr8:98,148,852, G>A. VCF-style: chr8-98148852-G-A. GRCh37 (hg19) VCF-style: chr8-99161080-G-A.
Other names: c.1748G>A (NM_015029.2); c.1748G>A, p.Gly583Glu (NM_001145861.2, NM_015029.3); short protein forms G583E.
Identifiers: ClinVar variation 393589 (VCV000393589.5), dbSNP rs374828868, ClinGen allele CA4820691.

ClinVar aggregate classification (germline): Conflicting classifications of pathogenicity. Review status: criteria provided, conflicting classifications (1 of 4 stars). 4 submissions from 4 submitters: Likely pathogenic (1); Uncertain significance (2). 1 of the submissions does not count toward it. Last evaluated 2025-07-15.

Conditions:
POP1-related disorder. Also called: POP1-related condition.
Anauxetic dysplasia 2 (ANXD2). Identifiers: MedGen C4479357, MONDO:0054561, OMIM 617396.

Allele frequency attached by ClinVar (database versions not stated): ExAC 0.00002; TOPMed 0.00002; gnomAD exomes 0.00003 and 0.00005; ESP Exome Variant Server 0.00008; gnomAD 0.00001.
gnomAD v4.1: 72 of 1,613,562 alleles (0.0045%); highest among the groups gnomAD compares: Non-Finnish European, 0.006%; no homozygotes.

Submissions (4):

Victorian Clinical Genetics Services, Murdoch Childrens Research Institute
Classification: Uncertain significance for Anauxetic dysplasia 2. Last evaluated: 2025-07-15. Review status: criteria provided, single submitter. Criteria: ACMG Guidelines, 2015. Collection method: clinical testing. Allele origin: germline. Affected: yes.
Comment: This variant is classified as VUS-3A. Evidence in support of pathogenic classification: Variant is present in gnomAD <0.01 for a recessive condition (v4: 72 heterozygote(s), 0 homozygote(s)); This variant has limited previous evidence of pathogenicity in unrelated individuals. This variant has been classified as a VUS by a clinical laboratory in ClinVar and has been reported in the literature in a compound heterozygous state in two siblings with anauxetic dysplasia (PMID: 21455487). Additional information: Variant is predicted to result in a missense amino acid change from Gly to Glu; This variant is heterozygous; This gene is associated with autosomal recessive disease; Alternative amino acid change(s) at the same position are present in gnomAD (Highest allele count: v4: 2 heterozygote(s), 0 homozygote(s)); No comparable missense variants have previous evidence for pathogenicity; Variant is not located in an established domain, motif, hotspot or informative constraint region; Missense variant with inconclusive in silico prediction and uninformative conservation; Loss of function is a known mechanism of disease in this gene and is associated with anauxetic dysplasia 2 (MIM#617396).

GeneDx
Classification: Uncertain significance. Last evaluated: 2024-05-10. Review status: criteria provided, single submitter. Criteria: GeneDx Variant Classification Process June 2021. Collection method: clinical testing. Allele origin: germline. Affected: yes.
Comment: In silico analysis supports that this missense variant has a deleterious effect on protein structure/function; This variant is associated with the following publications: (PMID: 21455487, 28067412, 27380734)

Blueprint Genetics
Classification: Likely pathogenic for POP1-related disorders. Last evaluated: 2021-11-09. Review status: criteria provided, single submitter. Criteria: ACMG Guidelines, 2015. Collection method: clinical testing. Allele origin: germline. Affected: yes. Observed: 2 variant alleles.

OMIM
Classification: Pathogenic for ANAUXETIC DYSPLASIA 2. Last evaluated: 2017-04-10. Review status: no assertion criteria provided. Collection method: literature only. Allele origin: germline. Not counted in ClinVar's aggregate classification.

Literature cited by the submitters: PubMed 21455487 (cited by Victorian Clinical Genetics Services, Murdoch Childrens Research Institute and OMIM).